The following is an entry in ClinVar:

ClinVar aggregate classification (germline): Conflicting classifications of pathogenicity. Review status: criteria provided, conflicting classifications (1 of 4 stars). 4 submissions from 4 submitters: Uncertain significance (2); Likely benign (2). Last evaluated 2026-01-06.

Conditions:
Familial thoracic aortic aneurysm and aortic dissection (TAAD). Also called: Thoracic aortic aneurysms and dissections. Identifiers: Orphanet 91387, MedGen C4707243, MONDO:0019625.
Ehlers-Danlos syndrome, type 4 (EDSVASC). Also called: Ehlers-Danlos syndrome vascular type; Ehlers Danlos syndrome, ecchymotic type; Ehlers Danlos syndrome, arterial type; Ehlers Danlos syndrome, Sack-Barabas type; Ehlers-Danlos Syndrome Type IV. Identifiers: Orphanet 286, MedGen C0268338, MONDO:0017314, OMIM 130050.

Allele frequency attached by ClinVar (database versions not stated): gnomAD exomes 0.00001 and 0.00002; TOPMed 0.00001; ExAC 0.00002; gnomAD 0.00004; ESP Exome Variant Server 0.00008.

Submissions (4):

Labcorp Genetics (formerly Invitae), Labcorp
Classification: Uncertain significance for Ehlers-Danlos syndrome, type 4. Last evaluated: 2026-01-06. Review status: criteria provided, single submitter. Criteria: Invitae Variant Classification Sherloc (09022015). Collection method: clinical testing. Allele origin: germline.
Comment: This sequence change replaces alanine, which is neutral and non-polar, with threonine, which is neutral and polar, at codon 421 of the COL3A1 protein (p.Ala421Thr). This variant is present in population databases (rs372329498, gnomAD 0.004%). This variant has not been reported in the literature in individuals affected with COL3A1-related conditions. ClinVar contains an entry for this variant (Variation ID: 925296). Invitae Evidence Modeling of protein sequence and biophysical properties (such as structural, functional, and spatial information, amino acid conservation, physicochemical variation, residue mobility, and thermodynamic stability) indicates that this missense variant is not expected to disrupt COL3A1 protein function with a negative predictive value of 95%. In summary, the available evidence is currently insufficient to determine the role of this variant in disease. Therefore, it has been classified as a Variant of Uncertain Significance.

Color Diagnostics, LLC DBA Color Health
Classification: Likely benign for Familial thoracic aortic aneurysm and aortic dissection. Last evaluated: 2024-09-12. Review status: criteria provided, single submitter. Criteria: ACMG Guidelines, 2015. Collection method: clinical testing. Allele origin: germline.

All of Us Research Program, National Institutes of Health
Classification: Likely benign for Ehlers-Danlos syndrome, type 4. Last evaluated: 2023-07-22. Review status: criteria provided, single submitter. Criteria: ACMG Guidelines, 2015. Collection method: clinical testing. Allele origin: germline. Inheritance: Autosomal dominant inheritance. Observed: 2 variant alleles, 2 heterozygotes.
Comment: This study involves interpretation of variants in research participants for the purpose of population health screening. Participant phenotype was not available at the time of variant classification. Additional details can be found in publication PMID: 35346344, PMCID: PMC8962531

GeneDx
Classification: Uncertain significance. Last evaluated: 2023-06-09. Review status: criteria provided, single submitter. Criteria: GeneDx Variant Classification Process June 2021. Collection method: clinical testing. Allele origin: germline.
Comment: Has not been previously published as pathogenic or benign to our knowledge; Not observed at significant frequency in large population cohorts (gnomAD); In silico analysis supports that this missense variant does not alter protein structure/function; Occurs in the triple helical domain at the X position in the canonical Gly-X-Y repeat; although this variant may have an effect on normal protein folding and function, missense substitution at the X position is not a common mechanism of disease (HGMD)

NM_000090.4(COL3A1):c.1261G>A (p.Ala421Thr)

Gene: COL3A1 (collagen type III alpha 1 chain; plus strand). Cytogenetic location: 2q32.2.
Variant type: single nucleotide variant.
Coding change: c.1261G>A on transcript NM_000090.4 (MANE Select); coding-DNA position 1261, G replaced by A.
Protein change: p.Ala421Thr; replaces alanine 421 with threonine.
Molecular consequence: missense variant.
Genome position (GRCh38, 1-based): chr2:188,994,300, G>A. VCF-style: chr2-188994300-G-A. GRCh37 (hg19) VCF-style: chr2-189859026-G-A.
Other names: short protein forms A421T.
Identifiers: ClinVar variation 925296 (VCV000925296.10), dbSNP rs372329498, ClinGen allele CA074055.
Genomic context (GRCh38, chr2:188,994,300, plus strand): 5'-GCTGGCATTCCTGGAGCTCCTGGACTGATGGGAGCCCGGGGTCCTCCAGGACCAGCCGGT[G>A]CTAATGGTGCTCCTGGACTGCGAGGTGGTGCAGTAAGTTGCCTTGTTTTTTCTCTGTTGA-3'
Protein context (NP_000081.2, residues 411-431): GARGPPGPAG[Ala421Thr]NGAPGLRGGA